The following is an entry in ClinVar:

ClinVar aggregate classification (germline): Pathogenic/Likely pathogenic. Review status: criteria provided, multiple submitters, no conflicts (2 of 4 stars). 3 submissions from 3 submitters: Pathogenic (2); Likely pathogenic (1). Last evaluated 2024-05-08.

Conditions:
Mucopolysaccharidosis, MPS-III-A (MPS3A). Also called: HEPARAN SULFATE SULFATASE DEFICIENCY; SANFILIPPO SYNDROME A; SULFAMIDASE DEFICIENCY; MUCOPOLYSACCHARIDOSIS, TYPE IIIA, ATTENUATED; Mucopolysaccharidosis, type IIIA; mucopolysaccharidosis type 3A. Identifiers: Orphanet 581, Orphanet 79269, MedGen C0086647, MONDO:0009655, OMIM 252900.

Submissions (3):

Myriad Genetics, Inc.
Classification: Pathogenic for Mucopolysaccharidosis, MPS-III-A. Last evaluated: 2024-05-08. Review status: criteria provided, single submitter. Criteria: Myriad Autosomal Dominant, Autosomal Recessive and X-Linked Classification Criteria (2023). Collection method: clinical testing. Allele origin: unknown.
Comment: NM_000199.3(SGSH):c.490C>T(Q164*) is expected to be pathogenic in the context of mucopolysaccharidosis type IIIA. This variant is predicted to lead to an abnormal or absent protein product due to the creation of a premature termination codon in SGSH, a gene where loss-of-function variants are known to be pathogenic. Please note: this variant was assessed in the context of healthy population screening.

Labcorp Genetics (formerly Invitae), Labcorp
Classification: Pathogenic for Mucopolysaccharidosis, MPS-III-A. Last evaluated: 2023-02-16. Review status: criteria provided, single submitter. Criteria: Invitae Variant Classification Sherloc (09022015). Collection method: clinical testing. Allele origin: germline.
Comment: This variant is not present in population databases (gnomAD no frequency). This sequence change creates a premature translational stop signal (p.Gln164*) in the SGSH gene. It is expected to result in an absent or disrupted protein product. Loss-of-function variants in SGSH are known to be pathogenic (PMID: 11182930, 21204211, 22976768). This variant has not been reported in the literature in individuals affected with SGSH-related conditions. ClinVar contains an entry for this variant (Variation ID: 654350). Algorithms developed to predict the effect of sequence changes on RNA splicing suggest that this variant may create or strengthen a splice site. For these reasons, this variant has been classified as Pathogenic.

Baylor Genetics
Classification: Likely pathogenic for Mucopolysaccharidosis, MPS-III-A. Last evaluated: 2022-04-26. Review status: criteria provided, single submitter. Criteria: ACMG Guidelines, 2015. Collection method: clinical testing. Allele origin: unknown.

Literature cited by the submitters: PubMed 11182930 (cited by Labcorp Genetics (formerly Invitae), Labcorp); PubMed 21204211 (cited by Labcorp Genetics (formerly Invitae), Labcorp); PubMed 22976768 (cited by Labcorp Genetics (formerly Invitae), Labcorp).

NM_000199.5(SGSH):c.490C>T (p.Gln164Ter)

Gene: SGSH (N-sulfoglucosamine sulfohydrolase; minus strand). Cytogenetic location: 17q25.3.
Variant type: single nucleotide variant.
Coding change: c.490C>T on transcript NM_000199.5 (MANE Select); coding-DNA position 490, C replaced by T.
Protein change: p.Gln164Ter; replaces glutamine 164 with a stop codon.
Molecular consequence: nonsense. On other transcripts: non-coding transcript variant (1).
Genome position (GRCh38, 1-based): chr17:80,214,631, G>A on the plus strand (C>T on the coding strand, the complement: SGSH is on the minus strand). VCF-style: chr17-80214631-G-A. GRCh37 (hg19) VCF-style: chr17-78188430-G-A.
Other names: c.490C>T, p.Gln164Ter (NM_001352922.2, NM_001352921.3); short protein forms Q164*.
Identifiers: ClinVar variation 654350 (VCV000654350.6), dbSNP rs1598749661, ClinGen allele CA401362505.